The following is an entry in ClinVar:

NM_014727.3(KMT2B):c.2656G>T (p.Val886Leu)

Gene: KMT2B (lysine methyltransferase 2B; plus strand). Cytogenetic location: 19q13.12.
Variant type: single nucleotide variant.
Coding change: c.2656G>T on transcript NM_014727.3 (MANE Select); coding-DNA position 2656, G replaced by T.
Protein change: p.Val886Leu; replaces valine 886 with leucine.
Molecular consequence: missense variant.
Genome position (GRCh38, 1-based): chr19:35,722,652, G>T. VCF-style: chr19-35722652-G-T. GRCh37 (hg19) VCF-style: chr19-36213554-G-T.
Other names: c.2656G>T (NM_014727.2); short protein forms V886L.
Identifiers: ClinVar variation 3535469 (VCV003535469.2).

ClinVar aggregate classification (germline): Uncertain significance. Review status: criteria provided, multiple submitters, no conflicts (2 of 4 stars). 2 submissions from 2 submitters: Uncertain significance (2). Last evaluated 2024-10-29.

Conditions:
Inborn genetic diseases. Identifiers: MedGen C0950123, MeSH D030342.

Submissions (2):

Ambry Genetics
Classification: Uncertain significance for Inborn genetic diseases. Last evaluated: 2024-10-29. Review status: criteria provided, single submitter. Criteria: Ambry Variant Classification Scheme 2023. Collection method: clinical testing. Allele origin: germline.

GeneDx
Classification: Uncertain significance. Last evaluated: 2024-08-22. Review status: criteria provided, single submitter. Criteria: GeneDx Variant Classification Process June 2021. Collection method: clinical testing. Allele origin: germline. Affected: yes.
Comment: Not observed at significant frequency in large population cohorts (gnomAD); In silico analysis indicates that this missense variant does not alter protein structure/function; Has not been previously published as pathogenic or benign to our knowledge